The following is an entry in ClinVar:

NM_014314.4(RIGI):c.2597G>A (p.Arg866Gln)

Gene: RIGI (RNA sensor RIG-I; minus strand). Cytogenetic location: 9p21.1.
Variant type: single nucleotide variant.
Coding change: c.2597G>A on transcript NM_014314.4 (MANE Select); coding-DNA position 2597, G replaced by A.
Protein change: p.Arg866Gln; replaces arginine 866 with glutamine.
Molecular consequence: missense variant.
Genome position (GRCh38, 1-based): chr9:32,457,303, C>T on the plus strand (G>A on the coding strand, the complement: RIGI is on the minus strand). VCF-style: chr9-32457303-C-T. GRCh37 (hg19) VCF-style: chr9-32457301-C-T.
Other names: c.2591G>A, p.Arg864Gln (NM_001385907.1); c.2426G>A, p.Arg809Gln (NM_001385909.1); c.2156G>A, p.Arg719Gln (NM_001385910.1); c.1988G>A, p.Arg663Gln (NM_001385912.1); c.2582G>A, p.Arg861Gln (NM_001385913.1); c.2153G>A, p.Arg718Gln (NM_001385914.1); c.2597G>A (NM_014314.3); short protein forms R809Q, R861Q, R663Q, R718Q, R719Q, R864Q, R866Q.
Identifiers: ClinVar variation 1476328 (VCV001476328.9), dbSNP rs751722546, ClinGen allele CA5019444.

ClinVar aggregate classification (germline): Uncertain significance. Review status: criteria provided, multiple submitters, no conflicts (2 of 4 stars). 2 submissions from 2 submitters: Uncertain significance (2). Last evaluated 2025-07-08.

Conditions:
Inborn genetic diseases. Identifiers: MedGen C0950123, MeSH D030342.

Allele frequency attached by ClinVar (database versions not stated): ExAC 0.00002; gnomAD exomes 0.00003 and 0.00005; TOPMed 0.00006; gnomAD 0.00007.
gnomAD v4.1: 91 of 1,613,954 alleles (0.0056%); highest among the groups gnomAD compares: Middle Eastern, 0.016%; no homozygotes.

Submissions (2):

Ambry Genetics
Classification: Uncertain significance for Inborn genetic diseases. Last evaluated: 2025-07-08. Review status: criteria provided, single submitter. Criteria: Ambry Variant Classification Scheme 2023. Collection method: clinical testing. Allele origin: germline.

Labcorp Genetics (formerly Invitae), Labcorp
Classification: Uncertain significance. Last evaluated: 2025-05-28. Review status: criteria provided, single submitter. Criteria: Invitae Variant Classification Sherloc (09022015). Collection method: clinical testing. Allele origin: germline.
Comment: This sequence change replaces arginine, which is basic and polar, with glutamine, which is neutral and polar, at codon 866 of the DDX58 protein (p.Arg866Gln). This variant is present in population databases (rs751722546, gnomAD 0.008%). This variant has not been reported in the literature in individuals affected with DDX58-related conditions. ClinVar contains an entry for this variant (Variation ID: 1476328). An algorithm developed to predict the effect of missense changes on protein structure and function (PolyPhen-2) suggests that this variant is likely to be tolerated. In summary, the available evidence is currently insufficient to determine the role of this variant in disease. Therefore, it has been classified as a Variant of Uncertain Significance.